The following is an entry in ClinVar:

ClinVar aggregate classification (germline): Conflicting classifications of pathogenicity. Review status: criteria provided, conflicting classifications (1 of 4 stars). 4 submissions from 4 submitters: Uncertain significance (3); Likely benign (1). Last evaluated 2024-11-21.

Conditions:
Inborn genetic diseases. Identifiers: MedGen C0950123, MeSH D030342.
Polycystic liver disease 1 (PCLD1). Also called: Polycystic liver disease 1 with or without kidney cysts. Identifiers: Orphanet 2924, MedGen C0887850, MONDO:0008265, OMIM 174050.

Allele frequency attached by ClinVar (database versions not stated): gnomAD 0.00013; gnomAD exomes 0.00014 and 0.00022; TOPMed 0.00014; 1000 Genomes Project 30x 0.00016; 1000 Genomes Project 0.00020; ExAC 0.00023; ESP Exome Variant Server 0.00031.
gnomAD v4.1: 227 of 1,613,504 alleles (0.014%); highest among the groups gnomAD compares: Middle Eastern, 0.066%; no homozygotes.

Submissions (4):

Blueprint Genetics
Classification: Likely benign. Last evaluated: 2024-11-21. Review status: criteria provided, single submitter. Criteria: ACMG Guidelines, 2015. Collection method: clinical testing. Allele origin: germline.

Labcorp Genetics (formerly Invitae), Labcorp
Classification: Uncertain significance. Last evaluated: 2024-09-20. Review status: criteria provided, single submitter. Criteria: Invitae Variant Classification Sherloc (09022015). Collection method: clinical testing. Allele origin: germline.
Comment: This sequence change replaces asparagine, which is neutral and polar, with threonine, which is neutral and polar, at codon 421 of the PRKCSH protein (p.Asn421Thr). This variant is present in population databases (rs34318718, gnomAD 0.04%), and has an allele count higher than expected for a pathogenic variant. This variant has not been reported in the literature in individuals affected with PRKCSH-related conditions. ClinVar contains an entry for this variant (Variation ID: 1353128). An algorithm developed to predict the effect of missense changes on protein structure and function outputs the following: PolyPhen-2: "Benign". The threonine amino acid residue is found in multiple mammalian species, which suggests that this missense change does not adversely affect protein function. In summary, the available evidence is currently insufficient to determine the role of this variant in disease. Therefore, it has been classified as a Variant of Uncertain Significance.

Fulgent Genetics
Classification: Uncertain significance for Polycystic liver disease 1. Last evaluated: 2024-06-05. Review status: criteria provided, single submitter. Criteria: ACMG Guidelines, 2015. Collection method: clinical testing. Allele origin: germline.

Ambry Genetics
Classification: Uncertain significance for Inborn genetic diseases. Last evaluated: 2021-10-29. Review status: criteria provided, single submitter. Criteria: Ambry Variant Classification Scheme 2023. Collection method: clinical testing. Allele origin: germline.

NM_001289104.2(PRKCSH):c.1283A>C (p.Asn428Thr)

Gene: PRKCSH (PRKCSH beta subunit of glucosidase II; plus strand). Cytogenetic location: 19p13.2.
Variant type: single nucleotide variant.
Coding change: c.1283A>C on transcript NM_001289104.2 (MANE Select); coding-DNA position 1283, A replaced by C.
Protein change: p.Asn428Thr; replaces asparagine 428 with threonine.
Molecular consequence: missense variant.
Genome position (GRCh38, 1-based): chr19:11,448,626, A>C. VCF-style: chr19-11448626-A-C. GRCh37 (hg19) VCF-style: chr19-11559441-A-C.
Other names: c.1253A>C, p.Asn418Thr (NM_001001329.3, NM_001289102.2, NM_001379609.1); c.1283A>C, p.Asn428Thr (NM_001289103.2); c.1262A>C, p.Asn421Thr (NM_001379608.1, NM_002743.3); c.1262A>C (NM_002743.2); short protein forms N421T, N418T, N428T.
Identifiers: ClinVar variation 1353128 (VCV001353128.10), dbSNP rs34318718, ClinGen allele CA9213226.